The following is an entry in ClinVar:

ClinVar aggregate classification (germline): Uncertain significance (1 of 4 stars; one submission).

Conditions:
Hereditary cancer-predisposing syndrome. Also called: Neoplastic Syndromes, Hereditary; Tumor predisposition; Hereditary neoplastic syndrome; Hereditary Cancer Syndrome. Identifiers: Orphanet 140162, MedGen C0027672, MeSH D009386, MONDO:0015356.

Submission:

Ambry Genetics
Classification: Uncertain significance for Hereditary cancer-predisposing syndrome. Last evaluated: 2023-10-06. Review status: criteria provided, single submitter. Criteria: Ambry Variant Classification Scheme 2023. Collection method: clinical testing. Allele origin: germline.
Comment: The p.Q1938L variant (also known as c.5813A>T), located in coding exon 43 of the POLE gene, results from an A to T substitution at nucleotide position 5813. The glutamine at codon 1938 is replaced by leucine, an amino acid with dissimilar properties. This amino acid position is conserved. In addition, this alteration is predicted to be tolerated by in silico analysis. Since supporting evidence is limited at this time, the clinical significance of this alteration remains unclear.

NM_006231.4(POLE):c.5813A>T (p.Gln1938Leu)

Gene: POLE (DNA polymerase epsilon, catalytic subunit; minus strand). Cytogenetic location: 12q24.33.
Variant type: single nucleotide variant.
Coding change: c.5813A>T on transcript NM_006231.4 (MANE Select); coding-DNA position 5813, A replaced by T.
Protein change: p.Gln1938Leu; replaces glutamine 1938 with leucine.
Molecular consequence: missense variant.
Genome position (GRCh38, 1-based): chr12:132,634,377, T>A on the plus strand (A>T on the coding strand, the complement: POLE is on the minus strand). VCF-style: chr12-132634377-T-A. GRCh37 (hg19) VCF-style: chr12-133210963-T-A.
Other names: short protein forms Q1938L.
Identifiers: ClinVar variation 3225492 (VCV003225492.1), dbSNP rs1593712524, ClinGen allele CA387371921.